The following is an entry in ClinVar:

ClinVar aggregate classification (germline): Likely benign. Review status: criteria provided, multiple submitters, no conflicts (2 of 4 stars). 8 submissions from 8 submitters: Likely benign (6). 2 of the submissions do not count toward it. Last evaluated 2026-01-28.

Conditions:
SMPD1-related disorder. Also called: SMPD1-related condition.
Inborn genetic diseases. Identifiers: MedGen C0950123, MeSH D030342.
Niemann-Pick disease, type A. Also called: Infantile Neurovisceral ASMD (Niemann-Pick Disease Type A; NPD-A); SPHINGOMYELIN LIPIDOSIS; SPHINGOMYELINASE DEFICIENCY. Identifiers: Orphanet 77292, MedGen C0268242, MONDO:0009756, OMIM 257200. Disease mechanism: loss of function.
Niemann-Pick disease, type B. Also called: Chronic Visceral ASMD (Niemann-Pick Disease Type B; NPD-B). Identifiers: Orphanet 77293, MedGen C0268243, MONDO:0011871, OMIM 607616. Disease mechanism: loss of function.

Allele frequency attached by ClinVar (database versions not stated): gnomAD exomes 0.00016 and 0.00048; ExAC 0.00056; gnomAD 0.00176 and 0.00192; TOPMed 0.00197; 1000 Genomes Project 0.00200; ESP Exome Variant Server 0.00200; 1000 Genomes Project 30x 0.00219.

Submissions (8):

Labcorp Genetics (formerly Invitae), Labcorp
Classification: Likely benign for Niemann-Pick disease, type B; Niemann-Pick disease, type A. Last evaluated: 2026-01-28. Review status: criteria provided, single submitter. Criteria: Invitae Variant Classification Sherloc (09022015). Collection method: clinical testing. Allele origin: germline.

Mayo Clinic Laboratories, Mayo Clinic
Classification: Likely benign. Last evaluated: 2025-04-29. Review status: criteria provided, single submitter. Criteria: ACMG Guidelines, 2015. Collection method: clinical testing. Allele origin: germline. Observed: 3 variant alleles.
Comment: BS1, BP4

Ambry Genetics
Classification: Likely benign for Inborn genetic diseases. Last evaluated: 2024-11-29. Review status: criteria provided, single submitter. Criteria: Ambry Variant Classification Scheme 2023. Collection method: clinical testing. Allele origin: germline.

GeneDx
Classification: Likely benign. Last evaluated: 2019-08-01. Review status: criteria provided, single submitter. Criteria: GeneDx Variant Classification Process June 2021. Collection method: clinical testing. Allele origin: germline. Affected: yes.
Comment: The majority of missense variants in this gene are considered pathogenic (Stenson et al., 2014); In silico analysis, which includes protein predictors and evolutionary conservation, supports that this variant does not alter protein structure/function; Has not been previously published as pathogenic or benign to our knowledge

Eurofins Ntd Llc (ga)
Classification: Likely benign. Last evaluated: 2016-10-18. Review status: criteria provided, single submitter. Criteria: EGL Classification Definitions 2015. Collection method: clinical testing. Allele origin: germline. Observed: 2 variant alleles, 2 heterozygotes.

Breakthrough Genomics
Classification: Likely benign. Review status: criteria provided, single submitter. Criteria: ACMG Guidelines, 2015. Collection method: not provided. Allele origin: germline. Inheritance: Autosomal recessive inheritance. Affected: yes.

PreventionGenetics, part of Exact Sciences
Classification: Likely benign for SMPD1-related condition. Last evaluated: 2020-06-08. Review status: no assertion criteria provided. Collection method: clinical testing. Allele origin: germline. Not counted in ClinVar's aggregate classification.
Comment: This variant is classified as likely benign based on ACMG/AMP sequence variant interpretation guidelines (Richards et al. 2015 PMID: 25741868, with internal and published modifications).

Natera, Inc.
Classification: Likely benign for Niemann-Pick Disease, Types A/B. Last evaluated: 2017-05-05. Review status: no assertion criteria provided. Collection method: clinical testing. Allele origin: germline. Not counted in ClinVar's aggregate classification.

NM_000543.5(SMPD1):c.1534G>A (p.Val512Met)

Gene: SMPD1 (sphingomyelin phosphodiesterase 1; plus strand). Cytogenetic location: 11p15.4.
Variant type: single nucleotide variant.
Coding change: c.1534G>A on transcript NM_000543.5 (MANE Select); coding-DNA position 1534, G replaced by A.
Protein change: p.Val512Met; replaces valine 512 with methionine.
Molecular consequence: missense variant. On other transcripts: 3 prime UTR variant (1), non-coding transcript variant (2).
Genome position (GRCh38, 1-based): chr11:6,394,245, G>A. VCF-style: chr11-6394245-G-A. GRCh37 (hg19) VCF-style: chr11-6415475-G-A.
Other names: p.Val512Met; c.1531G>A, p.Val511Met (NM_001007593.3); c.*27G>A (NM_001318087.2); c.613G>A, p.Val205Met (NM_001318088.2); c.1402G>A, p.Val468Met (NM_001365135.2); short protein forms V512M, V205M, V511M, V468M.
Identifiers: ClinVar variation 498027 (VCV000498027.25), dbSNP rs140806787, ClinGen allele CA5852930.
Genomic context (GRCh38, chr11:6,394,245, plus strand): 5'-CACATCCTTGCAGGTTACCGTGTGTACCAAATAGATGGAAACTACTCCGGGAGCTCTCAC[G>A]TGGTCCTGGACCATGAGACCTACATCCTGAATCTGACCCAGGCAAACATACCGGGAGCCA-3'
Protein context (NP_000534.3, residues 502-522): IDGNYSGSSH[Val512Met]VLDHETYILN